The following is an entry in ClinVar:

NM_001385641.1(SAMD11):c.1644C>G (p.Asn548Lys)

Gene: SAMD11 (sterile alpha motif domain containing 11; plus strand). Cytogenetic location: 1p36.33.
Variant type: single nucleotide variant.
Coding change: c.1644C>G on transcript NM_001385641.1 (MANE Select); coding-DNA position 1644, C replaced by G.
Protein change: p.Asn548Lys; replaces asparagine 548 with lysine.
Molecular consequence: missense variant.
Genome position (GRCh38, 1-based): chr1:942,649, C>G. VCF-style: chr1-942649-C-G. GRCh37 (hg19) VCF-style: chr1-878029-C-G.
Other names: c.1647C>G, p.Asn549Lys (NM_001385640.1); c.1155C>G, p.Asn385Lys (NM_152486.4); short protein forms N385K, N549K, N548K.
Identifiers: ClinVar variation 1502527 (VCV001502527.8), dbSNP rs532223862, ClinGen allele CA337808784.

ClinVar aggregate classification (germline): Uncertain significance (1 of 4 stars; one submission).

gnomAD v4.1: 1 of 1,435,922 alleles (0.00007%); highest among the groups gnomAD compares: Non-Finnish European, 0.000091%; no homozygotes.

Submission:

Labcorp Genetics (formerly Invitae), Labcorp
Classification: Uncertain significance. Last evaluated: 2022-06-20. Review status: criteria provided, single submitter. Criteria: Invitae Variant Classification Sherloc (09022015). Collection method: clinical testing. Allele origin: germline.
Comment: In summary, the available evidence is currently insufficient to determine the role of this variant in disease. Therefore, it has been classified as a Variant of Uncertain Significance. Algorithms developed to predict the effect of sequence changes on RNA splicing suggest that this variant may create or strengthen a splice site. Algorithms developed to predict the effect of missense changes on protein structure and function (SIFT, PolyPhen-2, Align-GVGD) all suggest that this variant is likely to be tolerated. This variant has not been reported in the literature in individuals affected with SAMD11-related conditions. This variant is not present in population databases (gnomAD no frequency). This sequence change replaces asparagine, which is neutral and polar, with lysine, which is basic and polar, at codon 385 of the SAMD11 protein (p.Asn385Lys).